The following is an entry in ClinVar:

ClinVar aggregate classification (germline): Uncertain significance (1 of 4 stars; one submission).

Allele frequency attached by ClinVar (database versions not stated): TOPMed below 0.00001.
gnomAD v4.1: 1 of 1,614,022 alleles (0.000062%); highest among the groups gnomAD compares: Non-Finnish European, 0.000085%; no homozygotes.

Submission:

Labcorp Genetics (formerly Invitae), Labcorp
Classification: Uncertain significance. Last evaluated: 2022-07-21. Review status: criteria provided, single submitter. Criteria: Invitae Variant Classification Sherloc (09022015). Collection method: clinical testing. Allele origin: germline.
Comment: This sequence change replaces glutamic acid, which is acidic and polar, with valine, which is neutral and non-polar, at codon 108 of the MYO18B protein (p.Glu108Val). This variant is not present in population databases (gnomAD no frequency). This variant has not been reported in the literature in individuals affected with MYO18B-related conditions. Algorithms developed to predict the effect of missense changes on protein structure and function are either unavailable or do not agree on the potential impact of this missense change (SIFT: "Not Available"; PolyPhen-2: "Benign"; Align-GVGD: "Not Available"). Algorithms developed to predict the effect of sequence changes on RNA splicing suggest that this variant may disrupt the consensus splice site. In summary, the available evidence is currently insufficient to determine the role of this variant in disease. Therefore, it has been classified as a Variant of Uncertain Significance.

NM_032608.7(MYO18B):c.323A>T (p.Glu108Val)

Gene: MYO18B (myosin XVIIIB; plus strand). Cytogenetic location: 22q12.1.
Variant type: single nucleotide variant.
Coding change: c.323A>T on transcript NM_032608.7 (MANE Select); coding-DNA position 323, A replaced by T.
Protein change: p.Glu108Val; replaces glutamic acid 108 with valine.
Molecular consequence: missense variant.
Genome position (GRCh38, 1-based): chr22:25,768,239, A>T. VCF-style: chr22-25768239-A-T. GRCh37 (hg19) VCF-style: chr22-26164206-A-T.
Other names: c.323A>T, p.Glu108Val (NM_001318245.2); short protein forms E108V.
Identifiers: ClinVar variation 2134788 (VCV002134788.1), dbSNP rs2086576155, ClinGen allele CA411001253.